The following is an entry in ClinVar:

NM_001375524.1(TRRAP):c.7460C>T (p.Ser2487Leu)

Gene: TRRAP (transformation/transcription domain associated protein; plus strand). Cytogenetic location: 7q22.1.
Variant type: single nucleotide variant.
Coding change: c.7460C>T on transcript NM_001375524.1 (MANE Select); coding-DNA position 7460, C replaced by T.
Protein change: p.Ser2487Leu; replaces serine 2487 with leucine.
Molecular consequence: missense variant.
Genome position (GRCh38, 1-based): chr7:98,967,646, C>T. VCF-style: chr7-98967646-C-T. GRCh37 (hg19) VCF-style: chr7-98565269-C-T.
Other names: c.7439C>T, p.Ser2480Leu (NM_001244580.2); c.7385C>T, p.Ser2462Leu (NM_003496.4); short protein forms S2462L, S2480L, S2487L.
Identifiers: ClinVar variation 2663703 (VCV002663703.1), dbSNP rs1792215429, ClinGen allele CA368293380.
Genomic context (GRCh38, chr7:98,967,646, plus strand): 5'-AGGTTTTTGACAACTCCATGAAACGTCGTGTCTACGAGCGCTTGCTCTATGTGACCTGTT[C>T]GCAGAACTGGGAAGCCATGGGGAACCACTTCTGGATCAAGCAGTGCATTGAGGTAGGAAG-3'
Protein context (NP_001362453.1, residues 2477-2497): VYERLLYVTC[Ser2487Leu]QNWEAMGNHF

ClinVar aggregate classification (germline): Uncertain significance (1 of 4 stars; one submission).

Allele frequency attached by ClinVar (database versions not stated): gnomAD exomes below 0.00001; gnomAD 0.00001.
gnomAD v4.1: 3 of 1,613,896 alleles (0.00019%); highest among the groups gnomAD compares: Non-Finnish European, 0.00025%; no homozygotes.

Submission:

GeneDx
Classification: Uncertain significance. Last evaluated: 2023-04-04. Review status: criteria provided, single submitter. Criteria: GeneDx Variant Classification Process June 2021. Collection method: clinical testing. Allele origin: germline. Affected: yes.
Comment: Not observed at significant frequency in large population cohorts (gnomAD); In silico analysis supports that this missense variant has a deleterious effect on protein structure/function; Has not been previously published as pathogenic or benign to our knowledge